The following is an entry in ClinVar:

NM_001163435.3(TBCK):c.2125A>G (p.Thr709Ala)

Gene: TBCK (TBC1 domain containing kinase; minus strand). Cytogenetic location: 4q24.
Variant type: single nucleotide variant.
Coding change: c.2125A>G on transcript NM_001163435.3 (MANE Select); coding-DNA position 2125, A replaced by G.
Protein change: p.Thr709Ala; replaces threonine 709 with alanine.
Molecular consequence: missense variant.
Genome position (GRCh38, 1-based): chr4:106,171,205, T>C on the plus strand (A>G on the coding strand, the complement: TBCK is on the minus strand). VCF-style: chr4-106171205-T-C. GRCh37 (hg19) VCF-style: chr4-107092362-T-C.
Other names: c.2125A>G, p.Thr709Ala (NM_001163436.4); c.2008A>G, p.Thr670Ala (NM_001163437.3); c.1609A>G, p.Thr537Ala (NM_001290768.2); c.1936A>G, p.Thr646Ala (NM_033115.5); c.2125A>G (NM_001163435.1); short protein forms T646A, T709A, T537A, T670A.
Identifiers: ClinVar variation 1908855 (VCV001908855.5), dbSNP rs769581714, ClinGen allele CA3034795.

ClinVar aggregate classification (germline): Uncertain significance. Review status: criteria provided, multiple submitters, no conflicts (2 of 4 stars). 2 submissions from 2 submitters: Uncertain significance (2). Last evaluated 2025-10-01.

Conditions:
Inborn genetic diseases. Identifiers: MedGen C0950123, MeSH D030342.

Allele frequency attached by ClinVar (database versions not stated): TOPMed below 0.00001; gnomAD 0.00004.
gnomAD v4.1: 13 of 1,612,668 alleles (0.00081%); highest among the groups gnomAD compares: Admixed American, 0.012%; no homozygotes.

Submissions (2):

Ambry Genetics
Classification: Uncertain significance for Inborn genetic diseases. Last evaluated: 2025-10-01. Review status: criteria provided, single submitter. Criteria: Ambry Variant Classification Scheme 2023. Collection method: clinical testing. Allele origin: germline.

Labcorp Genetics (formerly Invitae), Labcorp
Classification: Uncertain significance. Last evaluated: 2025-03-17. Review status: criteria provided, single submitter. Criteria: Invitae Variant Classification Sherloc (09022015). Collection method: clinical testing. Allele origin: germline.
Comment: This sequence change replaces threonine, which is neutral and polar, with alanine, which is neutral and non-polar, at codon 709 of the TBCK protein (p.Thr709Ala). This variant is present in population databases (rs769581714, gnomAD 0.0009%). This variant has not been reported in the literature in individuals affected with TBCK-related conditions. ClinVar contains an entry for this variant (Variation ID: 1908855). Invitae Evidence Modeling of protein sequence and biophysical properties (such as structural, functional, and spatial information, amino acid conservation, physicochemical variation, residue mobility, and thermodynamic stability) indicates that this missense variant is not expected to disrupt TBCK protein function with a negative predictive value of 80%. In summary, the available evidence is currently insufficient to determine the role of this variant in disease. Therefore, it has been classified as a Variant of Uncertain Significance.